The following is an entry in ClinVar:

NM_022132.5(MCCC2):c.1334A>G (p.Tyr445Cys)

Gene: MCCC2 (methylcrotonyl-CoA carboxylase subunit 2; plus strand). Cytogenetic location: 5q13.2.
Variant type: single nucleotide variant.
Coding change: c.1334A>G on transcript NM_022132.5 (MANE Select); coding-DNA position 1334, A replaced by G.
Protein change: p.Tyr445Cys; replaces tyrosine 445 with cysteine.
Molecular consequence: missense variant.
Genome position (GRCh38, 1-based): chr5:71,649,214, A>G. VCF-style: chr5-71649214-A-G. GRCh37 (hg19) VCF-style: chr5-70945041-A-G.
Other names: c.1220A>G, p.Tyr407Cys (NM_001363147.1); short protein forms Y445C, Y407C.
Identifiers: ClinVar variation 1516258 (VCV001516258.4), dbSNP rs145475202, ClinGen allele CA3298108.

ClinVar aggregate classification (germline): Uncertain significance. Review status: criteria provided, multiple submitters, no conflicts (2 of 4 stars). 2 submissions from 2 submitters: Uncertain significance (2). Last evaluated 2022-09-13.

Conditions:
3-methylcrotonyl-CoA carboxylase 2 deficiency. Also called: 3 alpha methylcrotonyl-CoA carboxylase 2 deficiency; 3 alpha methylcrotonylglycinuria 2; MCC 2 deficiency; Methylcrotonylglycinuria type 2; METHYLCROTONYLGLYCINURIA, TYPE II. Identifiers: Orphanet 6, MedGen C1859499, MONDO:0008862, OMIM 210210.

Allele frequency attached by ClinVar (database versions not stated): gnomAD exomes 0.00001 and 0.00003; ExAC 0.00002; gnomAD 0.00002 and 0.00003; TOPMed 0.00003; ESP Exome Variant Server 0.00008.
gnomAD v4.1: 24 of 1,613,952 alleles (0.0015%); highest among the groups gnomAD compares: East Asian, 0.0022%; no homozygotes.

Submissions (2):

GeneDx
Classification: Uncertain significance. Last evaluated: 2022-09-13. Review status: criteria provided, single submitter. Criteria: GeneDx Variant Classification Process June 2021. Collection method: clinical testing. Allele origin: germline. Affected: yes.
Comment: Not observed at significant frequency in large population cohorts (gnomAD); In silico analysis supports that this missense variant has a deleterious effect on protein structure/function; Has not been previously published as pathogenic or benign to our knowledge

Labcorp Genetics (formerly Invitae), Labcorp
Classification: Uncertain significance for 3-methylcrotonyl-CoA carboxylase 2 deficiency. Last evaluated: 2022-02-21. Review status: criteria provided, single submitter. Criteria: Invitae Variant Classification Sherloc (09022015). Collection method: clinical testing. Allele origin: germline.
Comment: This sequence change replaces tyrosine, which is neutral and polar, with cysteine, which is neutral and slightly polar, at codon 445 of the MCCC2 protein (p.Tyr445Cys). This variant is present in population databases (rs145475202, gnomAD 0.004%). This missense change has been observed in individual(s) with clinical features of 3 methylcrotonyl-CoA carboxylase deficiency (Invitae). Advanced modeling of protein sequence and biophysical properties (such as structural, functional, and spatial information, amino acid conservation, physicochemical variation, residue mobility, and thermodynamic stability) performed at Invitae indicates that this missense variant is expected to disrupt MCCC2 protein function. In summary, the available evidence is currently insufficient to determine the role of this variant in disease. Therefore, it has been classified as a Variant of Uncertain Significance.